The following is an entry in ClinVar:

ClinVar aggregate classification (germline): Benign. Review status: reviewed by expert panel (3 of 4 stars). 3 submissions from 3 submitters: Benign (1). 2 of the submissions do not count toward it. Last evaluated 2025-06-25.

Conditions:
UBE3A-related disorder. Also called: UBE3A-related condition.
Angelman syndrome (AS). Also called: HAPPY PUPPET SYNDROME. Identifiers: Orphanet 72, MedGen C0162635, MONDO:0007113, OMIM 105830. Disease mechanism: loss of function. Inheritance: AS is caused by disruption of maternally imprinted UBE3A located within the 15q11.2-q13 Angelman syndrome/Prader-Willi syndrome (AS/PWS) region., imprinting disorder.

Allele frequency attached by ClinVar (database versions not stated): gnomAD exomes 0.00001.
gnomAD v4.1: 3 of 1,614,152 alleles (0.00019%); highest among the groups gnomAD compares: Middle Eastern, 0.033%; no homozygotes.

Submissions (3):

ClinGen Rett and Angelman-like Disorders Variant Curation Expert Panel
Classification: Benign for Angelman syndrome. Last evaluated: 2025-06-25. Review status: reviewed by expert panel. Criteria: ClinGen RettAS ACMG Specifications UBE3A V5.0.0. Collection method: curation. Allele origin: germline. Inheritance: Autosomal dominant inheritance.
Comment: The highest population minor allele frequency of the p.Lys312= variant in UBE3A in gnomAD v4.1 is 0.0003300 in the Middle Eastern population, which is higher than the ClinGen Rett and Angelman-like Disorders VCEP threshold (≥0.0003) for BA1, and therefore meets this criterion (BA1). The silent c.876G>A (p.Lys292=) variant is not predicted to affect splicing using multiple computational tools and does not affect a highly conserved nucleotide (BP7). In summary, the p.Lys312= variant in UBE3A is classified as benign based on the ACMG/AMP criteria (BA1, BP7). (UBE3A Specifications v.5.0; curation approved on [06/25/2025])

Genetic Services Laboratory, University of Chicago
Classification: Likely benign. Last evaluated: 2016-04-20. Review status: criteria provided, single submitter. Criteria: ACMG Guidelines, 2015. Collection method: clinical testing. Allele origin: germline. Affected: no. Not counted in ClinVar's aggregate classification.

PreventionGenetics, part of Exact Sciences
Classification: Likely benign for UBE3A-related condition. Last evaluated: 2019-07-15. Review status: no assertion criteria provided. Collection method: clinical testing. Allele origin: germline. Not counted in ClinVar's aggregate classification.
Comment: This variant is classified as likely benign based on ACMG/AMP sequence variant interpretation guidelines (Richards et al. 2015 PMID: 25741868, with internal and published modifications).

NM_130839.5(UBE3A):c.936G>A (p.Lys312=)

Genes: SNHG14 (small nucleolar RNA host gene 14; plus strand), UBE3A (ubiquitin protein ligase E3A; minus strand). Cytogenetic location: 15q11.2.
Variant type: single nucleotide variant.
Coding change: c.936G>A on transcript NM_130839.5 (MANE Select); coding-DNA position 936, G replaced by A.
Protein change: p.Lys312=; no amino-acid change (lysine 312 retained).
Molecular consequence: synonymous variant. On other transcripts: non-coding transcript variant (1), intron variant (2).
Genome position (GRCh38, 1-based): chr15:25,371,238, C>T on the plus strand (G>A on the coding strand, the complement: UBE3A is on the minus strand). VCF-style: chr15-25371238-C-T. GRCh37 (hg19) VCF-style: chr15-25616385-C-T.
Other names: NM_130839.5(UBE3A):c.936G>A; p.Lys312=; c.945G>A, p.Lys315= (NM_000462.5); c.936G>A, p.Lys312= (NM_001354505.1, NM_001354538.2, NM_001354545.2); c.876G>A, p.Lys292= (NM_001354506.2, NM_001354507.2, NM_001354508.2 and 17 more transcripts); c.759G>A, p.Lys253= (NM_001354546.2); c.301+4227G>A (NM_001354551.2); c.361+4227G>A (NM_001354550.2).
Identifiers: ClinVar variation 437192 (VCV000437192.10), dbSNP rs867585000, ClinGen allele CA267785638.